The following is an entry in ClinVar:

NM_004415.4(DSP):c.1615C>A (p.Gln539Lys)

Gene: DSP (desmoplakin; plus strand). Cytogenetic location: 6p24.3.
Variant type: single nucleotide variant.
Coding change: c.1615C>A on transcript NM_004415.4 (MANE Select); coding-DNA position 1615, C replaced by A.
Protein change: p.Gln539Lys; replaces glutamine 539 with lysine.
Molecular consequence: missense variant.
Genome position (GRCh38, 1-based): chr6:7,570,477, C>A. VCF-style: chr6-7570477-C-A. GRCh37 (hg19) VCF-style: chr6-7570710-C-A.
Other names: c.1615C>A, p.Gln539Lys (NM_001008844.3, NM_001319034.2); short protein forms Q539K.
Identifiers: ClinVar variation 945594 (VCV000945594.10), dbSNP rs727504498, ClinGen allele CA362678157.
Genomic context (GRCh38, chr6:7,570,477, plus strand): 5'-TTTCCCTTTGTGCCTCTTAGGATTGAGCAGTACTACGAAGCCATCTTGGCTCTGTGGAAC[C>A]AGCTCTACATCAACATGAAGAGCCTGGTGTCCTGGCACTACTGCATGATTGACATAGAGA-3'
Protein context (NP_004406.2, residues 529-549): YYEAILALWN[Gln539Lys]LYINMKSLVS

ClinVar aggregate classification (germline): Uncertain significance (1 of 4 stars; one submission).

Conditions:
Arrhythmogenic right ventricular dysplasia 8 (ARVD8). Also called: Arrhythmogenic Right Ventricular Dysplasia/Cardiomyopathy 8; ARRHYTHMOGENIC RIGHT VENTRICULAR DYSPLASIA, FAMILIAL, 8; ARRHYTHMOGENIC RIGHT VENTRICULAR CARDIOMYOPATHY 8. Identifiers: MedGen C1843896, MONDO:0011831, OMIM 607450.
Arrhythmogenic cardiomyopathy with wooly hair and keratoderma. Also called: Arrhythmogenic cardiomyopathy with woolly hair and keratoderma; PALMOPLANTAR KERATODERMA WITH LEFT VENTRICULAR CARDIOMYOPATHY AND WOOLLY HAIR; Dilated cardiomyopathy with woolly hair and keratoderma; Carvajal syndrome. Identifiers: Orphanet 65282, MedGen C1854063, MONDO:0011581, OMIM 605676.

Allele frequency attached by ClinVar (database versions not stated): gnomAD exomes below 0.00001.
gnomAD v4.1: 1 of 1,614,098 alleles (0.000062%); highest among the groups gnomAD compares: South Asian, 0.0011%; no homozygotes.

Submission:

Labcorp Genetics (formerly Invitae), Labcorp
Classification: Uncertain significance for Arrhythmogenic cardiomyopathy with wooly hair and keratoderma; Arrhythmogenic right ventricular dysplasia 8. Last evaluated: 2019-07-01. Review status: criteria provided, single submitter. Criteria: Invitae Variant Classification Sherloc (09022015). Collection method: clinical testing. Allele origin: germline.
Comment: This sequence change replaces glutamine with lysine at codon 539 of the DSP protein (p.Gln539Lys). The glutamine residue is highly conserved and there is a small physicochemical difference between glutamine and lysine. This variant is not present in population databases (ExAC no frequency). This variant has not been reported in the literature in individuals with DSP-related conditions. Algorithms developed to predict the effect of missense changes on protein structure and function (SIFT, PolyPhen-2, Align-GVGD) all suggest that this variant is likely to be disruptive, but these predictions have not been confirmed by published functional studies and their clinical significance is uncertain. In summary, the available evidence is currently insufficient to determine the role of this variant in disease. Therefore, it has been classified as a Variant of Uncertain Significance.